The following is an entry in ClinVar:

NM_000836.4(GRIN2D):c.3106G>A (p.Ala1036Thr)

Gene: GRIN2D (glutamate ionotropic receptor NMDA type subunit 2D; plus strand). Cytogenetic location: 19q13.33.
Variant type: single nucleotide variant.
Coding change: c.3106G>A on transcript NM_000836.4 (MANE Select); coding-DNA position 3106, G replaced by A.
Protein change: p.Ala1036Thr; replaces alanine 1036 with threonine.
Molecular consequence: missense variant.
Genome position (GRCh38, 1-based): chr19:48,443,032, G>A. VCF-style: chr19-48443032-G-A. GRCh37 (hg19) VCF-style: chr19-48946289-G-A.
Other names: short protein forms A1036T.
Identifiers: ClinVar variation 3777672 (VCV003777672.1).

ClinVar aggregate classification (germline): Uncertain significance (1 of 4 stars; one submission).

gnomAD v4.1: 9 of 1,050,282 alleles (0.00086%); highest among the groups gnomAD compares: Middle Eastern, 0.045%; no homozygotes.

Submission:

GeneDx
Classification: Uncertain significance. Last evaluated: 2024-10-11. Review status: criteria provided, single submitter. Criteria: GeneDx Variant Classification Process June 2021. Collection method: clinical testing. Allele origin: germline. Affected: yes.
Comment: Not observed at significant frequency in large population cohorts (gnomAD); In silico analysis indicates that this missense variant does not alter protein structure/function; Has not been previously published as pathogenic or benign to our knowledge